The following is an entry in ClinVar:

NM_001244710.2(GFPT1):c.964C>T (p.Arg322Ter)

Gene: GFPT1 (glutamine--fructose-6-phosphate transaminase 1; minus strand). Cytogenetic location: 2p13.3.
Variant type: single nucleotide variant.
Coding change: c.964C>T on transcript NM_001244710.2 (MANE Select); coding-DNA position 964, C replaced by T.
Protein change: p.Arg322Ter; replaces arginine 322 with a stop codon.
Molecular consequence: nonsense.
Genome position (GRCh38, 1-based): chr2:69,348,216, G>A on the plus strand (C>T on the coding strand, the complement: GFPT1 is on the minus strand). VCF-style: chr2-69348216-G-A. GRCh37 (hg19) VCF-style: chr2-69575348-G-A.
Other names: c.910C>T, p.Arg304Ter (NM_002056.4); short protein forms R304*, R322*.
Identifiers: ClinVar variation 859066 (VCV000859066.10), dbSNP rs375268742, ClinGen allele CA1693737.

ClinVar aggregate classification (germline): Pathogenic. Review status: criteria provided, multiple submitters, no conflicts (2 of 4 stars). 2 submissions from 2 submitters: Pathogenic (2). Last evaluated 2024-12-13.

Conditions:
GFPT1-related disorder. Also called: GFPT1-related condition.
Congenital myasthenic syndrome 12 (CMS12). Also called: MYASTHENIC SYNDROME, CONGENITAL, WITH TUBULAR AGGREGATES 1; Myasthenia, congenital, 12, with tubular aggregates. Identifiers: Orphanet 353327, Orphanet 590, MedGen C3552335, MONDO:0012518, OMIM 610542.

Allele frequency attached by ClinVar (database versions not stated): ExAC 0.00001; gnomAD 0.00001; TOPMed 0.00002; ESP Exome Variant Server 0.00008.
gnomAD v4.1: 10 of 1,613,706 alleles (0.00062%); highest among the groups gnomAD compares: African/African-American, 0.0027%; no homozygotes.

Submissions (2):

PreventionGenetics, part of Exact Sciences
Classification: Pathogenic for GFPT1-related condition. Last evaluated: 2024-12-13. Review status: criteria provided, single submitter. Criteria: ACMG Guidelines, 2015. Collection method: clinical testing. Allele origin: germline.
Comment: The GFPT1 c.964C>T variant is predicted to result in premature protein termination (p.Arg322*). Using an alternate transcript (NM_002056), this variant is also referred to as c.910C>T (p.Arg304*) in the literature. This variant was reported in the compound heterozygous state in an individual with congenital myasthenic syndrome (Patient 6, Selcen et al. 2013. PubMed ID: 23794683). This variant is reported in 0.0062% of alleles in individuals of African descent in gnomAD. Nonsense variants in GFPT1 are expected to be pathogenic. This variant is interpreted as pathogenic.

Labcorp Genetics (formerly Invitae), Labcorp
Classification: Pathogenic for Congenital myasthenic syndrome 12. Last evaluated: 2022-11-14. Review status: criteria provided, single submitter. Criteria: Invitae Variant Classification Sherloc (09022015). Collection method: clinical testing. Allele origin: germline.
Comment: This sequence change creates a premature translational stop signal (p.Arg322*) in the GFPT1 gene. It is expected to result in an absent or disrupted protein product. Loss-of-function variants in GFPT1 are known to be pathogenic (PMID: 23794683). This variant is present in population databases (rs375268742, gnomAD 0.007%). This premature translational stop signal has been observed in individual(s) with congenital myasthenic syndrome (PMID: 23794683). In at least one individual the data is consistent with being in trans (on the opposite chromosome) from a pathogenic variant. This variant is also known as c.910C>T (p.Arg304X). ClinVar contains an entry for this variant (Variation ID: 859066). For these reasons, this variant has been classified as Pathogenic.

Literature cited by the submitters: PubMed 23794683 (cited by Labcorp Genetics (formerly Invitae), Labcorp).